The following is an entry in ClinVar:

NM_001277115.2(DNAH11):c.11233G>A (p.Glu3745Lys)

Gene: DNAH11 (dynein axonemal heavy chain 11; plus strand). Cytogenetic location: 7p15.3.
Variant type: single nucleotide variant.
Coding change: c.11233G>A on transcript NM_001277115.2 (MANE Select); coding-DNA position 11233, G replaced by A.
Protein change: p.Glu3745Lys; replaces glutamic acid 3745 with lysine.
Molecular consequence: missense variant.
Genome position (GRCh38, 1-based): chr7:21,861,883, G>A. VCF-style: chr7-21861883-G-A. GRCh37 (hg19) VCF-style: chr7-21901501-G-A.
Other names: short protein forms E3745K.
Identifiers: ClinVar variation 226579 (VCV000226579.35), dbSNP rs182389910, ClinGen allele CA4182677.

ClinVar aggregate classification (germline): Benign/Likely benign. Review status: criteria provided, multiple submitters, no conflicts (2 of 4 stars). 8 submissions from 8 submitters: Benign (7); Likely benign (1). Last evaluated 2026-09-01.

Conditions:
Primary ciliary dyskinesia. Also called: Ciliary dyskinesia. Identifiers: Orphanet 244, MedGen C0008780, MONDO:0016575, HP:0012265.
Primary ciliary dyskinesia 7. Also called: CILIARY DYSKINESIA, PRIMARY, 7, WITH OR WITHOUT SITUS INVERSUS. Identifiers: Orphanet 244, MedGen C2678473, MONDO:0012748, OMIM 611884.

Allele frequency attached by ClinVar (database versions not stated): ESP Exome Variant Server 0.00161; gnomAD 0.00242; 1000 Genomes Project 0.00260; 1000 Genomes Project 30x 0.00265; TOPMed 0.00359; ExAC 0.00425; gnomAD exomes 0.00569.
gnomAD v4.1: 4,557 of 1,613,246 alleles (0.28%); highest among the groups gnomAD compares: Admixed American, 3.1%; 52 homozygotes.

Submissions (8):

CeGaT Center for Human Genetics Tuebingen
Classification: Benign. Last evaluated: 2026-09-01. Review status: criteria provided, single submitter. Criteria: CeGaT Center For Human Genetics Tuebingen Variant Classification Criteria Version 2. Collection method: clinical testing. Allele origin: germline. Affected: yes. Observed: 7 variant alleles.
Comment: DNAH11: BP4, BS1, BS2

Labcorp Genetics (formerly Invitae), Labcorp
Classification: Benign for Primary ciliary dyskinesia. Last evaluated: 2026-02-02. Review status: criteria provided, single submitter. Criteria: Invitae Variant Classification Sherloc (09022015). Collection method: clinical testing. Allele origin: germline.

ARUP Laboratories, Molecular Genetics and Genomics, ARUP Laboratories
Classification: Benign for Primary ciliary dyskinesia 7. Last evaluated: 2024-08-21. Review status: criteria provided, single submitter. Criteria: ARUP Molecular Germline Variant Investigation Process 2024. Collection method: clinical testing. Allele origin: germline.

Mayo Clinic Laboratories, Mayo Clinic
Classification: Benign. Last evaluated: 2023-02-09. Review status: criteria provided, single submitter. Criteria: ACMG Guidelines, 2015. Collection method: clinical testing. Allele origin: germline. Observed: 5 variant alleles.
Comment: BS1, BS2, BP4

GeneDx
Classification: Benign. Last evaluated: 2021-06-10. Review status: criteria provided, single submitter. Criteria: GeneDx Variant Classification Process June 2021. Collection method: clinical testing. Allele origin: germline. Affected: yes.
Comment: This variant is associated with the following publications: (PMID: 31213628)

Center for Pediatric Genomic Medicine, Children's Mercy Hospital and Clinics
Classification: Likely benign. Last evaluated: 2017-02-16. Review status: criteria provided, single submitter. Criteria: ACMG Guidelines, 2015. Collection method: clinical testing. Allele origin: germline.
ClinVar note: Converted during submission from Likely Benign to Likely benign.

Ambry Genetics
Classification: Benign for Primary ciliary dyskinesia. Last evaluated: 2016-02-03. Review status: criteria provided, single submitter. Criteria: Ambry Variant Classification Scheme 2023. Collection method: clinical testing. Allele origin: germline.

Laboratory for Molecular Medicine, Mass General Brigham Personalized Medicine
Classification: Benign. Last evaluated: 2015-09-16. Review status: criteria provided, single submitter. Criteria: LMM Criteria. Collection method: clinical testing. Allele origin: germline. Observed: 1 variant allele.
Comment: p.Glu3745Lys in exon 69 of DNAH11: This variant is not expected to have clinical significance because it has been identified in 3.0% (360/11530), including 10 h omozygotes, of Latino chromosomes by the Exome Aggregation Consortium (ExAC; dbSNP rs182389910).

Literature cited by the submitters: PubMed 31213628 (cited by Mayo Clinic Laboratories, Mayo Clinic).